The following is an entry in ClinVar:

NM_000092.5(COL4A4):c.4198A>G (p.Arg1400Gly)

Gene: COL4A4 (collagen type IV alpha 4 chain; minus strand). Cytogenetic location: 2q36.3.
Variant type: single nucleotide variant.
Coding change: c.4198A>G on transcript NM_000092.5 (MANE Select); coding-DNA position 4198, A replaced by G.
Protein change: p.Arg1400Gly; replaces arginine 1400 with glycine.
Molecular consequence: missense variant.
Genome position (GRCh38, 1-based): chr2:227,022,066, T>C on the plus strand (A>G on the coding strand, the complement: COL4A4 is on the minus strand). VCF-style: chr2-227022066-T-C. GRCh37 (hg19) VCF-style: chr2-227886782-T-C.
Other names: short protein forms R1400G.
Identifiers: ClinVar variation 988179 (VCV000988179.10), dbSNP rs749483911, ClinGen allele CA2144254.

ClinVar aggregate classification (germline): Conflicting classifications of pathogenicity. Review status: criteria provided, conflicting classifications (1 of 4 stars). 3 submissions from 3 submitters: Uncertain significance (1); Likely benign (1). 1 of the submissions does not count toward it. Last evaluated 2025-03-10.

Conditions:
Alport syndrome. Also called: Hemorrhagic familial nephritis; Hemorrhagic hereditary nephritis; Congenital hereditary hematuria. Identifiers: Orphanet 63, MedGen C1567741, MONDO:0018965.
Inborn genetic diseases. Identifiers: MedGen C0950123, MeSH D030342.

Allele frequency attached by ClinVar (database versions not stated): gnomAD exomes 0.00001 and below 0.00001; TOPMed 0.00002; gnomAD 0.00003; ExAC 0.00001.
gnomAD v4.1: 10 of 1,613,888 alleles (0.00062%); highest among the groups gnomAD compares: Non-Finnish European, 0.00085%; no homozygotes.

Submissions (3):

Ambry Genetics
Classification: Uncertain significance for Inborn genetic diseases. Last evaluated: 2025-03-10. Review status: criteria provided, single submitter. Criteria: Ambry Variant Classification Scheme 2023. Collection method: clinical testing. Allele origin: germline.

Labcorp Genetics (formerly Invitae), Labcorp
Classification: Likely benign. Last evaluated: 2024-03-03. Review status: criteria provided, single submitter. Criteria: Invitae Variant Classification Sherloc (09022015). Collection method: clinical testing. Allele origin: germline.

Sydney Genome Diagnostics, Children's Hospital Westmead
Classification: Uncertain significance for Alport syndrome. Last evaluated: 2018-06-06. Review status: no assertion criteria provided. Collection method: clinical testing. Allele origin: unknown. Affected: yes. Observed: 1 variant allele, 1 heterozygote. Not counted in ClinVar's aggregate classification.
Comment: This variant is outside of the triple helix domain. To our knowledge, this variant has not been previously reported in the literature or any disease specific databases to be a disease causing variant. This variant has been reported in the gnomAD browser with a very low allele frequency of 0.0008% (2 out of 246, 108 alleles). In silico analysis of pathogenicity (through Alamut Visual v2.8.1) is inconclusive regarding this change; SIFT predicts it to be likely pathogenic whereas PolyPhen2 and MutationTaster predict this variant to be benign. This variant is considered to be a variant of uncertain clinical significance (VOUS) according to the ACMG guidelines.